The following is an entry in ClinVar:

ClinVar aggregate classification (germline): Uncertain significance. Review status: criteria provided, multiple submitters, no conflicts (2 of 4 stars). 2 submissions from 2 submitters: Uncertain significance (2). Last evaluated 2021-09-02.

Conditions:
Congenital myasthenic syndrome 11. Also called: MYASTHENIC SYNDROME, CONGENITAL, Ie; Myasthenic syndrome, congenital, 11, associated with acetylcholine receptor deficiency. Identifiers: Orphanet 590, MedGen C4225367, MONDO:0014588, OMIM 616326.
Fetal akinesia deformation sequence 1 (FADS1). Also called: Fetal akinesia sequence; Pena-Shokeir syndrome type I. Identifiers: Orphanet 994, MedGen C1276035, MONDO:0100101, OMIM 208150, HP:0001989.

Allele frequency attached by ClinVar (database versions not stated): gnomAD exomes below 0.00001.
gnomAD v4.1: 1 of 1,613,586 alleles (0.000062%); highest among the groups gnomAD compares: African/African-American, 0.0013%; no homozygotes.

Submissions (2):

Labcorp Genetics (formerly Invitae), Labcorp
Classification: Uncertain significance for Congenital myasthenic syndrome 11; Fetal akinesia deformation sequence 1. Last evaluated: 2021-09-02. Review status: criteria provided, single submitter. Criteria: Invitae Variant Classification Sherloc (09022015). Collection method: clinical testing. Allele origin: germline.
Comment: This sequence change replaces aspartic acid with asparagine at codon 78 of the RAPSN protein (p.Asp78Asn). The aspartic acid residue is highly conserved and there is a small physicochemical difference between aspartic acid and asparagine. This variant is not present in population databases (ExAC no frequency). This variant has not been reported in the literature in individuals affected with RAPSN-related conditions. Algorithms developed to predict the effect of missense changes on protein structure and function are either unavailable or do not agree on the potential impact of this missense change (SIFT: "Deleterious"; PolyPhen-2: "Benign"; Align-GVGD: "Class C0"). In summary, the available evidence is currently insufficient to determine the role of this variant in disease. Therefore, it has been classified as a Variant of Uncertain Significance.

Revvity Omics, Revvity
Classification: Uncertain significance. Last evaluated: 2019-11-30. Review status: criteria provided, single submitter. Criteria: ACMG Guidelines, 2015. Collection method: clinical testing. Allele origin: germline.

NM_005055.5(RAPSN):c.232G>A (p.Asp78Asn)

Gene: RAPSN (receptor associated protein of the synapse; minus strand). Cytogenetic location: 11p11.2.
Variant type: single nucleotide variant.
Coding change: c.232G>A on transcript NM_005055.5 (MANE Select); coding-DNA position 232, G replaced by A.
Protein change: p.Asp78Asn; replaces aspartic acid 78 with asparagine.
Molecular consequence: missense variant.
Genome position (GRCh38, 1-based): chr11:47,448,111, C>T on the plus strand (G>A on the coding strand, the complement: RAPSN is on the minus strand). VCF-style: chr11-47448111-C-T. GRCh37 (hg19) VCF-style: chr11-47469663-C-T.
Other names: c.232G>A, p.Asp78Asn (NM_032645.5); short protein forms D78N.
Identifiers: ClinVar variation 567562 (VCV000567562.8), dbSNP rs1198989939, ClinGen allele CA380335107.
Genomic context (GRCh38, chr11:47,448,111, plus strand): 5'-CGCACAGCTTCTCGTTGCTGCGTGCCAGGTTCAGGTAGCTCTCCAGGAGGAAGTCGGCAT[C>T]CTCCAGCTCCCGGGCCGTGTCGATCTGGACCACAGCGAACTGCACACAGCGACGGTGGGC-3'
Protein context (NP_005046.2, residues 68-88): VQIDTARELE[Asp78Asn]ADFLLESYLN